The following is an entry in ClinVar:

NM_000429.3(MAT1A):c.315C>A (p.Asn105Lys)

Gene: MAT1A (methionine adenosyltransferase 1A; minus strand). Cytogenetic location: 10q22.3.
Variant type: single nucleotide variant.
Coding change: c.315C>A on transcript NM_000429.3 (MANE Select); coding-DNA position 315, C replaced by A.
Protein change: p.Asn105Lys; replaces asparagine 105 with lysine.
Molecular consequence: missense variant.
Genome position (GRCh38, 1-based): chr10:80,280,770, G>T on the plus strand (C>A on the coding strand, the complement: MAT1A is on the minus strand). VCF-style: chr10-80280770-G-T. GRCh37 (hg19) VCF-style: chr10-82040526-G-T.
Other names: short protein forms N105K.
Identifiers: ClinVar variation 2664827 (VCV002664827.6), dbSNP rs758289013, ClinGen allele CA377363111.
Genomic context (GRCh38, chr10:80,280,770, plus strand): 5'-TCTGTCCAGATGGACGCACTGGGCAATATCTGGGGATTGCTGCTCCAAAGCCACCAGCAC[G>T]TTGCAAGTCTTGAAGTCAAAGCCTAGGCGGAAGCAAAGTGAGCCTAAGTGGGGAACAGGT-3'
Protein context (NP_000420.1, residues 95-115): SAKGFDFKTC[Asn105Lys]VLVALEQQSP

ClinVar aggregate classification (germline): Uncertain significance. Review status: criteria provided, multiple submitters, no conflicts (2 of 4 stars). 3 submissions from 3 submitters: Uncertain significance (3). Last evaluated 2025-03-13.

Conditions:
Hepatic methionine adenosyltransferase deficiency. Also called: Methionine adenosyltransferase deficiency; MAT I/III DEFICIENCY; Deficiency of methionine adenosyltransferase; Isolated Persistent Hypermethioninemia. Identifiers: Orphanet 168598, MedGen C0268621, MeSH C564683, MONDO:0009607, OMIM 250850.

Submissions (3):

Labcorp Genetics (formerly Invitae), Labcorp
Classification: Uncertain significance for Hepatic methionine adenosyltransferase deficiency. Last evaluated: 2025-03-13. Review status: criteria provided, single submitter. Criteria: Invitae Variant Classification Sherloc (09022015). Collection method: clinical testing. Allele origin: germline.
Comment: This sequence change replaces asparagine, which is neutral and polar, with lysine, which is basic and polar, at codon 105 of the MAT1A protein (p.Asn105Lys). This variant is not present in population databases (gnomAD no frequency). This missense change has been observed in individual(s) with clinical features of MAT1A-related conditions (PMID: 30612563, 35760084, 36787440; internal data). ClinVar contains an entry for this variant (Variation ID: 2664827). Invitae Evidence Modeling of protein sequence and biophysical properties (such as structural, functional, and spatial information, amino acid conservation, physicochemical variation, residue mobility, and thermodynamic stability) indicates that this missense variant is not expected to disrupt MAT1A protein function with a negative predictive value of 80%. In summary, the available evidence is currently insufficient to determine the role of this variant in disease. Therefore, it has been classified as a Variant of Uncertain Significance.

Genetics and Molecular Pathology, SA Pathology
Classification: Uncertain significance for Hepatic methionine adenosyltransferase deficiency. Last evaluated: 2022-03-24. Review status: criteria provided, single submitter. Criteria: ACMG Guidelines, 2015. Collection method: clinical testing. Allele origin: germline. Affected: yes.

Juno Genomics, Hangzhou Juno Genomics, Inc
Classification: Uncertain significance for Hepatic methionine adenosyltransferase deficiency. Review status: criteria provided, single submitter. Criteria: ACMG Guidelines, 2015. Collection method: clinical testing. Allele origin: germline. Affected: yes.
Comment: Absent from controls (or at extremely low frequency if recessive) in Genome Aggregation Database, Exome Sequencing Project, 1000 Genomes Project, or Exome Aggregation Consortium.;Multiple lines of computational evidence support a deleterious effect on the gene or gene product (conservation, evolutionary, splicing impact, etc).;The prevalence of the variant in affected individuals is significantly increased compared to the prevalence in controls.;Patient's phenotype or family history is highly specific for a disease with a single genetic etiology.

Literature cited by the submitters: PubMed 30612563 (cited by Labcorp Genetics (formerly Invitae), Labcorp); PubMed 35760084 (cited by Labcorp Genetics (formerly Invitae), Labcorp); PubMed 36787440 (cited by Labcorp Genetics (formerly Invitae), Labcorp).